The following is an entry in ClinVar:

NM_004958.4(MTOR):c.6964C>T (p.Arg2322Cys)

Gene: MTOR (mechanistic target of rapamycin kinase; minus strand). Cytogenetic location: 1p36.22.
Variant type: single nucleotide variant.
Coding change: c.6964C>T on transcript NM_004958.4 (MANE Select); coding-DNA position 6964, C replaced by T.
Protein change: p.Arg2322Cys; replaces arginine 2322 with cysteine.
Molecular consequence: missense variant.
Genome position (GRCh38, 1-based): chr1:11,117,056, G>A on the plus strand (C>T on the coding strand, the complement: MTOR is on the minus strand). VCF-style: chr1-11117056-G-A. GRCh37 (hg19) VCF-style: chr1-11177113-G-A.
Other names: c.6964C>T, p.Arg2322Cys (NM_001386500.1); c.5716C>T, p.Arg1906Cys (NM_001386501.1); short protein forms R2322C, R1906C.
Identifiers: ClinVar variation 2875222 (VCV002875222.3), dbSNP rs765600374, ClinGen allele CA588964.

ClinVar aggregate classification (germline): Uncertain significance (1 of 4 stars; one submission).

Allele frequency attached by ClinVar (database versions not stated): ExAC 0.00001.

Submission:

Labcorp Genetics (formerly Invitae), Labcorp
Classification: Uncertain significance. Last evaluated: 2023-08-17. Review status: criteria provided, single submitter. Criteria: Invitae Variant Classification Sherloc (09022015). Collection method: clinical testing. Allele origin: germline.
Comment: This sequence change replaces arginine, which is basic and polar, with cysteine, which is neutral and slightly polar, at codon 2322 of the MTOR protein (p.Arg2322Cys). This variant is present in population databases (rs765600374, gnomAD 0.0009%). This variant has not been reported in the literature in individuals affected with MTOR-related conditions. Advanced modeling of protein sequence and biophysical properties (such as structural, functional, and spatial information, amino acid conservation, physicochemical variation, residue mobility, and thermodynamic stability) performed at Invitae indicates that this missense variant is not expected to disrupt MTOR protein function. In summary, the available evidence is currently insufficient to determine the role of this variant in disease. Therefore, it has been classified as a Variant of Uncertain Significance.